The following is an entry in ClinVar:

ClinVar aggregate classification (germline): Likely benign. Review status: criteria provided, single submitter (1 of 4 stars). 2 submissions from 2 submitters: Likely benign (1). 1 of the submissions does not count toward it. Last evaluated 2022-06-29.

Conditions:
ZFPM2-related disorder. Also called: ZFPM2-related condition.
46,XY sex reversal 9 (SRXY9). Also called: 46,XY SEX REVERSAL, ZFPM2-RELATED. Identifiers: Orphanet 251510, MedGen C4015129, MONDO:0014480, OMIM 616067.

Allele frequency attached by ClinVar (database versions not stated): gnomAD exomes below 0.00001 and 0.00001; TOPMed below 0.00001; gnomAD 0.00001; ExAC 0.00002.
gnomAD v4.1: 7 of 1,613,906 alleles (0.00043%); highest among the groups gnomAD compares: Middle Eastern, 0.049%; no homozygotes.

Submissions (2):

Labcorp Genetics (formerly Invitae), Labcorp
Classification: Likely benign for 46,XY sex reversal 9. Last evaluated: 2022-06-29. Review status: criteria provided, single submitter. Criteria: Invitae Variant Classification Sherloc (09022015). Collection method: clinical testing. Allele origin: germline.

PreventionGenetics, part of Exact Sciences
Classification: Likely benign for ZFPM2-related condition. Last evaluated: 2019-02-22. Review status: no assertion criteria provided. Collection method: clinical testing. Allele origin: germline. Not counted in ClinVar's aggregate classification.
Comment: This variant is classified as likely benign based on ACMG/AMP sequence variant interpretation guidelines (Richards et al. 2015 PMID: 25741868, with internal and published modifications).

NM_012082.4(ZFPM2):c.582G>A (p.Glu194=)

Genes: ZFPM2 (zinc finger protein, FOG family member 2; plus strand), ZFPM2-AS1 (ZFPM2 antisense RNA 1; minus strand). Cytogenetic location: 8q23.1.
Variant type: single nucleotide variant.
Coding change: c.582G>A on transcript NM_012082.4 (MANE Select); coding-DNA position 582, G replaced by A.
Protein change: p.Glu194=; no amino-acid change (glutamic acid 194 retained).
Molecular consequence: synonymous variant.
Genome position (GRCh38, 1-based): chr8:105,788,767, G>A. VCF-style: chr8-105788767-G-A. GRCh37 (hg19) VCF-style: chr8-106800995-G-A.
Other names: c.423G>A, p.Glu141= (NM_001362836.2); c.186G>A, p.Glu62= (NM_001362837.2); c.582G>A (NM_012082.3).
Identifiers: ClinVar variation 1571218 (VCV001571218.10), dbSNP rs758169109, ClinGen allele CA4839572.